The following is an entry in ClinVar:

NM_001972.4(ELANE):c.218C>A (p.Ala73Glu)

Gene: ELANE (elastase, neutrophil expressed; plus strand). Cytogenetic location: 19p13.3.
Variant type: single nucleotide variant.
Coding change: c.218C>A on transcript NM_001972.4 (MANE Select); coding-DNA position 218, C replaced by A.
Protein change: p.Ala73Glu; replaces alanine 73 with glutamic acid.
Molecular consequence: missense variant.
Genome position (GRCh38, 1-based): chr19:853,026, C>A. VCF-style: chr19-853026-C-A. GRCh37 (hg19) VCF-style: chr19-853026-C-A.
Other names: short protein forms A73E.
Identifiers: ClinVar variation 4017396 (VCV004017396.1).

ClinVar aggregate classification (germline): Uncertain significance (1 of 4 stars; one submission).

Conditions:
Inborn genetic diseases. Identifiers: MedGen C0950123, MeSH D030342.

Submission:

Ambry Genetics
Classification: Uncertain significance for Inborn genetic diseases. Last evaluated: 2025-05-19. Review status: criteria provided, single submitter. Criteria: Ambry Variant Classification Scheme 2023. Collection method: clinical testing. Allele origin: germline.
Comment: The p.A73E variant (also known as c.218C>A), located in coding exon 2 of the ELANE gene, results from a C to A substitution at nucleotide position 218. The alanine at codon 73 is replaced by glutamic acid, an amino acid with dissimilar properties. This amino acid position is conserved. In addition, this alteration is predicted to be tolerated by in silico analysis. Based on the available evidence, the clinical significance of this variant remains unclear.